The following is an entry in ClinVar:

ClinVar aggregate classification (germline): Pathogenic (1 of 4 stars; one submission).

Submission:

GeneDx
Classification: Pathogenic. Last evaluated: 2026-05-06. Review status: criteria provided, single submitter. Criteria: GeneDx Variant Classification Process June 2021. Collection method: clinical testing. Allele origin: germline.
Comment: Frameshift variant predicted to result in abnormal protein length as the last 2583 amino acids are replaced with 32 different amino acids, and other similar variants have been reported in HGMD; Not observed at significant frequency in large population cohorts (gnomAD); Has not been previously published as pathogenic or benign to our knowledge; This variant is associated with the following publications: (PMID: 16444271)

NM_002016.2(FLG):c.4436_4452delinsTGTCAGGACACCATTCGT (p.His1479fs)

Genes: CCDST (cervical cancer associated DHX9 suppressive transcript; plus strand), FLG (filaggrin; minus strand). Cytogenetic location: 1q21.3.
Variant type: Indel.
Coding change: c.4436_4452delinsTGTCAGGACACCATTCGT on transcript NM_002016.2 (MANE Select); coding-DNA positions 4436 to 4452, ACTCAGCATCCCAAGAC replaced by TGTCAGGACACCATTCGT.
Protein change: p.His1479fs; shifts the reading frame from histidine 1479.
Molecular consequence: frameshift variant.
Genome position (GRCh38, 1-based): chr1:152,310,434-152,310,450, GTCTTGGGATGCTGAGT replaced by ACGAATGGTGTCCTGACA on the plus strand (ACTCAGCATCCCAAGAC replaced by TGTCAGGACACCATTCGT on the coding strand, the reverse complement: FLG is on the minus strand). GRCh37 (hg19): chr1:152,282,910-152,282,926.
Other names: c.4436_4452del17insTGTCAGGACACCATTCGT, p.His1479Leufs (NM_002016.1); short protein forms H1479fs.
Identifiers: ClinVar variation 3767623 (VCV003767623.2).